The following is an entry in ClinVar:

NM_000090.4(COL3A1):c.1354G>T (p.Ala452Ser)

Gene: COL3A1 (collagen type III alpha 1 chain; plus strand). Cytogenetic location: 2q32.2.
Variant type: single nucleotide variant.
Coding change: c.1354G>T on transcript NM_000090.4 (MANE Select); coding-DNA position 1354, G replaced by T.
Protein change: p.Ala452Ser; replaces alanine 452 with serine.
Molecular consequence: missense variant.
Genome position (GRCh38, 1-based): chr2:188,994,730, G>T. VCF-style: chr2-188994730-G-T. GRCh37 (hg19) VCF-style: chr2-189859456-G-T.
Other names: short protein forms A452S.
Identifiers: ClinVar variation 2188429 (VCV002188429.3), dbSNP rs2469130030, ClinGen allele CA349851745.

ClinVar aggregate classification (germline): Uncertain significance (1 of 4 stars; one submission).

Conditions:
Ehlers-Danlos syndrome, type 4 (EDSVASC). Also called: Ehlers-Danlos syndrome vascular type; Ehlers Danlos syndrome, ecchymotic type; Ehlers Danlos syndrome, arterial type; Ehlers Danlos syndrome, Sack-Barabas type; Ehlers-Danlos Syndrome Type IV. Identifiers: Orphanet 286, MedGen C0268338, MONDO:0017314, OMIM 130050.

Submission:

Labcorp Genetics (formerly Invitae), Labcorp
Classification: Uncertain significance for Ehlers-Danlos syndrome, type 4. Last evaluated: 2024-02-23. Review status: criteria provided, single submitter. Criteria: Invitae Variant Classification Sherloc (09022015). Collection method: clinical testing. Allele origin: germline.
Comment: This sequence change replaces alanine, which is neutral and non-polar, with serine, which is neutral and polar, at codon 452 of the COL3A1 protein (p.Ala452Ser). This variant is not present in population databases (gnomAD no frequency). This variant has not been reported in the literature in individuals affected with COL3A1-related conditions. ClinVar contains an entry for this variant (Variation ID: 2188429). Advanced modeling of protein sequence and biophysical properties (such as structural, functional, and spatial information, amino acid conservation, physicochemical variation, residue mobility, and thermodynamic stability) performed at Invitae indicates that this missense variant is not expected to disrupt COL3A1 protein function with a negative predictive value of 95%. In summary, the available evidence is currently insufficient to determine the role of this variant in disease. Therefore, it has been classified as a Variant of Uncertain Significance.